The following is an entry in ClinVar:

ClinVar aggregate classification (germline): Uncertain significance (1 of 4 stars; one submission).

gnomAD v4.1: 20 of 1,614,162 alleles (0.0012%); highest among the groups gnomAD compares: South Asian, 0.0055%; no homozygotes.

Submission:

Labcorp Genetics (formerly Invitae), Labcorp
Classification: Uncertain significance. Last evaluated: 2025-06-11. Review status: criteria provided, single submitter. Criteria: Invitae Variant Classification Sherloc (09022015). Collection method: clinical testing. Allele origin: germline.
Comment: This sequence change replaces threonine, which is neutral and polar, with methionine, which is neutral and non-polar, at codon 740 of the BACH2 protein (p.Thr740Met). This variant is present in population databases (no rsID available, gnomAD 0.008%). This variant has not been reported in the literature in individuals affected with BACH2-related conditions. Invitae Evidence Modeling of protein sequence and biophysical properties (such as structural, functional, and spatial information, amino acid conservation, physicochemical variation, residue mobility, and thermodynamic stability) indicates that this missense variant is not expected to disrupt BACH2 protein function with a negative predictive value of 80%. In summary, the available evidence is currently insufficient to determine the role of this variant in disease. Therefore, it has been classified as a Variant of Uncertain Significance.

NM_021813.4(BACH2):c.2219C>T (p.Thr740Met)

Gene: BACH2 (BACH transcriptional regulator 2; minus strand). Cytogenetic location: 6q15.
Variant type: single nucleotide variant.
Coding change: c.2219C>T on transcript NM_021813.4 (MANE Select); coding-DNA position 2219, C replaced by T.
Protein change: p.Thr740Met; replaces threonine 740 with methionine.
Molecular consequence: missense variant.
Genome position (GRCh38, 1-based): chr6:89,932,715, G>A on the plus strand (C>T on the coding strand, the complement: BACH2 is on the minus strand). VCF-style: chr6-89932715-G-A. GRCh37 (hg19) VCF-style: chr6-90642434-G-A.
Other names: c.2219C>T, p.Thr740Met (NM_001170794.2); short protein forms T740M.
Identifiers: ClinVar variation 4692491 (VCV004692491.1).